The following is an entry in ClinVar:

NM_001048174.2(MUTYH):c.824A>C (p.Glu275Ala)

Gene: MUTYH (mutY DNA glycosylase; minus strand). Cytogenetic location: 1p34.1.
Variant type: single nucleotide variant.
Coding change: c.824A>C on transcript NM_001048174.2 (MANE Select); coding-DNA position 824, A replaced by C.
Protein change: p.Glu275Ala; replaces glutamic acid 275 with alanine.
Molecular consequence: missense variant. On other transcripts: non-coding transcript variant (7).
Genome position (GRCh38, 1-based): chr1:45,332,191, T>G on the plus strand (A>C on the coding strand, the complement: MUTYH is on the minus strand). VCF-style: chr1-45332191-T-G. GRCh37 (hg19) VCF-style: chr1-45797863-T-G.
Other names: c.824A>C, p.Glu275Ala (NM_001407081.1, NM_001407088.1, NM_001407089.1 and 6 more transcripts); c.479A>C, p.Glu160Ala (NM_001407082.1, NM_001350650.2, NM_001350651.2); c.866A>C, p.Glu289Ala (NM_001407083.1, NM_001407085.1); c.827A>C, p.Glu276Ala (NM_001407086.1, NM_001048172.2, NM_001407071.1 and 1 more transcripts); c.845A>C, p.Glu282Ala (NM_001407087.1); c.548A>C, p.Glu183Ala (NM_001407091.1, NM_001293192.2, NM_001293196.2); c.899A>C, p.Glu300Ala (NM_012222.3); c.908A>C, p.Glu303Ala (NM_001128425.2); and 5 more; short protein forms E160A, E286A, E300A, E247A, E276A, E303A, E183A, E261A.
Identifiers: ClinVar variation 4113900 (VCV004113900.1).

ClinVar aggregate classification (germline): Uncertain significance (1 of 4 stars; one submission).

Conditions:
Hereditary cancer-predisposing syndrome. Also called: Hereditary neoplastic syndrome; Neoplastic Syndromes, Hereditary; Tumor predisposition; Hereditary Cancer Syndrome. Identifiers: Orphanet 140162, MedGen C0027672, MeSH D009386, MONDO:0015356.

Submission:

Ambry Genetics
Classification: Uncertain significance for Hereditary cancer-predisposing syndrome. Last evaluated: 2025-08-27. Review status: criteria provided, single submitter. Criteria: Ambry Variant Classification Scheme 2023. Collection method: clinical testing. Allele origin: germline.
Comment: The p.E303A variant (also known as c.908A>C), located in coding exon 10 of the MUTYH gene, results from an A to C substitution at nucleotide position 908. The glutamic acid at codon 303 is replaced by alanine, an amino acid with dissimilar properties. This amino acid position is conserved. In addition, this alteration is predicted to be tolerated by in silico analysis. Based on the available evidence, the clinical significance of this variant remains unclear.